The following is an entry in ClinVar:

NM_022089.4(ATP13A2):c.705+228A>G

Gene: ATP13A2 (ATPase cation transporting 13A2; minus strand). Cytogenetic location: 1p36.13.
Variant type: single nucleotide variant.
Coding change: c.705+228A>G on transcript NM_022089.4 (MANE Select); 228 bases into the intron after coding-DNA position 705, A replaced by G.
Molecular consequence: intron variant.
Genome position (GRCh38, 1-based): chr1:17,001,806, T>C on the plus strand (A>G on the coding strand, the complement: ATP13A2 is on the minus strand). VCF-style: chr1-17001806-T-C. GRCh37 (hg19) VCF-style: chr1-17328301-T-C.
Other names: c.690+228A>G (NM_001141974.3, NM_001141973.3).
Identifiers: ClinVar variation 703790 (VCV000703790.10), dbSNP rs2871776, ClinGen allele CA10662050.

ClinVar aggregate classification (germline): Benign. Review status: criteria provided, multiple submitters, no conflicts (2 of 4 stars). 3 submissions from 3 submitters: Benign (3). Last evaluated 2026-01-26.

Conditions:
Kufor-Rakeb syndrome (KRS). Also called: PARKINSON DISEASE 9, AUTOSOMAL RECESSIVE, JUVENILE-ONSET. Identifiers: Orphanet 306674, Orphanet 314632, MedGen C1847640, MONDO:0011706, OMIM 606693.
Autosomal recessive spastic paraplegia type 78. Identifiers: Orphanet 513436, MedGen C5567893, MONDO:0014975, OMIM 617225.

Allele frequency attached by ClinVar (database versions not stated): gnomAD 0.56136 and 0.56208; TOPMed 0.56716; 1000 Genomes Project 30x 0.63382; 1000 Genomes Project 0.63858.
gnomAD v4.1: 85,357 of 152,086 alleles (56%); highest among the groups gnomAD compares: African/African-American, 73%; 24,940 homozygotes.

Submissions (3):

Labcorp Genetics (formerly Invitae), Labcorp
Classification: Benign for Kufor-Rakeb syndrome; Autosomal recessive spastic paraplegia type 78. Last evaluated: 2026-01-26. Review status: criteria provided, single submitter. Criteria: Invitae Variant Classification Sherloc (09022015). Collection method: clinical testing. Allele origin: germline.

GeneDx
Classification: Benign. Last evaluated: 2018-07-05. Review status: criteria provided, single submitter. Criteria: GeneDx Variant Classification Process June 2021. Collection method: clinical testing. Allele origin: germline. Affected: yes.
Comment: This variant is associated with the following publications: (PMID: 22285144)

Breakthrough Genomics
Classification: Benign. Review status: criteria provided, single submitter. Criteria: ACMG Guidelines, 2015. Collection method: not provided. Allele origin: germline. Inheritance: Autosomal recessive inheritance. Affected: yes.